The following is an entry in ClinVar:

NM_006031.6(PCNT):c.6919G>A (p.Val2307Met)

Gene: PCNT (pericentrin; plus strand). Cytogenetic location: 21q22.3.
Variant type: single nucleotide variant.
Coding change: c.6919G>A on transcript NM_006031.6 (MANE Select); coding-DNA position 6919, G replaced by A.
Protein change: p.Val2307Met; replaces valine 2307 with methionine.
Molecular consequence: missense variant.
Genome position (GRCh38, 1-based): chr21:46,416,837, G>A. VCF-style: chr21-46416837-G-A. GRCh37 (hg19) VCF-style: chr21-47836751-G-A.
Other names: c.6565G>A, p.Val2189Met (NM_001315529.2); short protein forms V2189M, V2307M.
Identifiers: ClinVar variation 4997704 (VCV004997704.1).

ClinVar aggregate classification (germline): Uncertain significance (1 of 4 stars; one submission).

Conditions:
PCNT-related disorder. Also called: PCNT-related condition.

gnomAD v4.1: 1 of 1,597,554 alleles (0.000063%); highest among the groups gnomAD compares: Admixed American, 0.0017%; no homozygotes.

Submission:

PreventionGenetics, part of Exact Sciences
Classification: Uncertain significance for PCNT-related condition. Last evaluated: 2025-05-27. Review status: criteria provided, single submitter. Criteria: ACMG Guidelines, 2015. Collection method: clinical testing. Allele origin: germline.
Comment: The PCNT c.6919G>A variant is predicted to result in the amino acid substitution p.Val2307Met. To our knowledge, this variant has not been reported in the literature. This variant is reported in 0.0029% of alleles in individuals of Latino descent in gnomAD. At this time, the clinical significance of this variant is uncertain due to the absence of conclusive functional and genetic evidence.